The following is an entry in ClinVar:

NC_000011.9:g.(?_64572175)_(64575826_?)del

Gene: MEN1 (menin 1; minus strand). Cytogenetic location: 11q13.1.
Variant type: Deletion.
Identifiers: ClinVar variation 3244555 (VCV003244555.1).

ClinVar aggregate classification (germline): Pathogenic (1 of 4 stars; one submission).

Conditions:
Multiple endocrine neoplasia, type 1 (MEN1). Also called: Endocrine adenomatosis multiple; MEN 1; MEA I; MEN I; WERMER SYNDROME. Identifiers: Orphanet 652, MedGen C0025267, MeSH D018761, MONDO:0007540, OMIM 131100.

Submission:

Labcorp Genetics (formerly Invitae), Labcorp
Classification: Pathogenic for Multiple endocrine neoplasia, type 1. Last evaluated: 2020-02-27. Review status: criteria provided, single submitter. Criteria: Invitae Variant Classification Sherloc (09022015). Collection method: clinical testing. Allele origin: unknown.
Comment: For these reasons, this variant has been classified as Pathogenic. This variant disrupts the C-terminus of the MEN1 protein. Another variant that disrupts this region (p.Gln554*) has been determined to be pathogenic (PMID: 11578300, 17853334, 15331604, 16449969). This suggests that variants that disrupt this region of the protein are likely to be causative of disease. This variant has not been reported in the literature in individuals with MEN1-related conditions. This variant results in the deletion of exons 3-9 and part of exon 10 (c.446-255_1464del) of the MEN1 gene. While this is not anticipated to result in nonsense mediated decay, it likely alters RNA splicing and results in a disrupted protein product.

Literature cited by the submitters: PubMed 11578300; PubMed 17853334; PubMed 15331604; PubMed 16449969.